The following is an entry in ClinVar:

ClinVar aggregate classification (germline): Uncertain significance (1 of 4 stars; one submission).

Submission:

GeneDx
Classification: Uncertain significance. Last evaluated: 2026-04-01. Review status: criteria provided, single submitter. Criteria: GeneDx Variant Classification Process June 2021. Collection method: clinical testing. Allele origin: germline.
Comment: Not observed at significant frequency in large population cohorts (gnomAD); In silico analysis supports that this missense variant has a deleterious effect on protein structure/function; Has not been previously published as pathogenic or benign to our knowledge; This substitution is predicted to be in the cytoplasmic loop between the first and second homologous domains

NM_001040142.2(SCN2A):c.2123C>G (p.Ala708Gly)

Gene: SCN2A (sodium voltage-gated channel alpha subunit 2; plus strand). Cytogenetic location: 2q24.3.
Variant type: single nucleotide variant.
Coding change: c.2123C>G on transcript NM_001040142.2 (MANE Select); coding-DNA position 2123, C replaced by G.
Protein change: p.Ala708Gly; replaces alanine 708 with glycine.
Molecular consequence: missense variant.
Genome position (GRCh38, 1-based): chr2:165,326,958, C>G. VCF-style: chr2-165326958-C-G. GRCh37 (hg19) VCF-style: chr2-166183468-C-G.
Other names: c.2123C>G, p.Ala708Gly (NM_001040143.2, NM_001371246.1, NM_001371247.1 and 1 more transcripts); short protein forms A708G.
Identifiers: ClinVar variation 3769874 (VCV003769874.2).